The following is an entry in ClinVar:

ClinVar aggregate classification (germline): Likely pathogenic. Review status: criteria provided, multiple submitters, no conflicts (2 of 4 stars). 2 submissions from 2 submitters: Likely pathogenic (2). Last evaluated 2021-03-01.

Conditions:
Marfan syndrome (MFS). Also called: MARFAN SYNDROME, TYPE I; FBN1-Related Marfan Syndrome; Marfan syndrome type 1; Marfan's syndrome; Marfan syndrome, classic. Identifiers: Orphanet 284963, Orphanet 558, MedGen C0024796, MONDO:0007947, OMIM 154700.
Familial thoracic aortic aneurysm and aortic dissection (TAAD). Also called: Thoracic aortic aneurysms and dissections. Identifiers: Orphanet 91387, MedGen C4707243, MONDO:0019625.

Submissions (2):

Centre of Medical Genetics, University of Antwerp
Classification: Likely pathogenic for Marfan syndrome. Last evaluated: 2021-03-01. Review status: criteria provided, single submitter. Criteria: Submitter's publication. Collection method: research. Allele origin: unknown. Affected: yes.
Comment: PM2, PS1, PP3, PP4

Labcorp Genetics (formerly Invitae), Labcorp
Classification: Likely pathogenic for Marfan syndrome; Familial thoracic aortic aneurysm and aortic dissection. Last evaluated: 2018-10-22. Review status: criteria provided, single submitter. Criteria: Invitae Variant Classification Sherloc (09022015). Collection method: clinical testing. Allele origin: germline.
Comment: In summary, the currently available evidence indicates that the variant is pathogenic, but additional data are needed to prove that conclusively. Therefore, this variant has been classified as Likely Pathogenic. Algorithms developed to predict the effect of sequence changes on RNA splicing suggest that this variant may create or strengthen a splice site, but this prediction has not been confirmed by published transcriptional studies. Algorithms developed to predict the effect of missense changes on protein structure and function are either unavailable or do not agree on the potential impact of this missense change (SIFT: "Deleterious"; PolyPhen-2: "Possibly Damaging"; Align-GVGD: "Class C0"). ClinVar contains an entry for this variant (Variation ID: 457267). This variant is not present in population databases (ExAC no frequency). This sequence change replaces isoleucine with arginine at codon 2681 of the FBN1 protein (p.Ile2681Arg). The isoleucine residue is moderately conserved and there is a moderate physicochemical difference between isoleucine and arginine.

NM_000138.5(FBN1):c.8042T>G (p.Ile2681Arg)

Gene: FBN1 (fibrillin 1; minus strand). Cytogenetic location: 15q21.1.
Variant type: single nucleotide variant.
Coding change: c.8042T>G on transcript NM_000138.5 (MANE Select); coding-DNA position 8042, T replaced by G.
Protein change: p.Ile2681Arg; replaces isoleucine 2681 with arginine.
Molecular consequence: missense variant.
Genome position (GRCh38, 1-based): chr15:48,415,545, A>C on the plus strand (T>G on the coding strand, the complement: FBN1 is on the minus strand). VCF-style: chr15-48415545-A-C. GRCh37 (hg19) VCF-style: chr15-48707742-A-C.
Other names: short protein forms I2681R.
Identifiers: ClinVar variation 457267 (VCV000457267.26), dbSNP rs1555393825, ClinGen allele CA392322503.